The following is an entry in ClinVar:

NC_000009.11:g.(?_214977)_(396954_?)dup

Genes: DOCK8 (dedicator of cytokinesis 8; plus strand), DOCK8-AS1 (DOCK8 antisense RNA 1; minus strand). Cytogenetic location: 9p24.3.
Variant type: Duplication.
Identifiers: ClinVar variation 1413013 (VCV001413013.9).

ClinVar aggregate classification (germline): Uncertain significance (1 of 4 stars; one submission).

Conditions:
Hyper-IgE recurrent infection syndrome 3, autosomal recessive. Also called: Autosomal recessive hyper-IgE syndrome due to ZNF341 deficiency; HYPER-IgE SYNDROME 3, AUTOSOMAL RECESSIVE, WITH RECURRENT INFECTIONS. Identifiers: Orphanet 641368, MedGen C4748969, MONDO:0032654, OMIM 618282.

Submission:

Labcorp Genetics (formerly Invitae), Labcorp
Classification: Uncertain significance for Combined immunodeficiency due to DOCK8 deficiency. Last evaluated: 2022-08-19. Review status: criteria provided, single submitter. Criteria: Invitae Variant Classification Sherloc (09022015). Collection method: clinical testing. Allele origin: germline.
Comment: In summary, the available evidence is currently insufficient to determine the role of this variant in disease. Therefore, it has been classified as a Variant of Uncertain Significance. Experimental studies and prediction algorithms are not available or were not evaluated, and the functional significance of this variant is currently unknown. This variant has not been reported in the literature in individuals affected with DOCK8-related conditions. This variant results in a copy number gain of the genomic region encompassing exon(s) 1-25 of the DOCK8 gene. This region includes the initiator codon of the gene. This copy number gain extends beyond the assayed region for this gene and therefore may encompass additional genes. As the precise location of this event is unknown, it may be in tandem or it may be located elsewhere in the genome.